The following is an entry in ClinVar:

NM_000075.4(CDK4):c.-2G>A

Gene: CDK4 (cyclin dependent kinase 4; minus strand). Cytogenetic location: 12q14.1.
Variant type: single nucleotide variant.
Coding change: c.-2G>A on transcript NM_000075.4 (MANE Select); 2 bases upstream of the start codon, G replaced by A.
Molecular consequence: 5 prime UTR variant.
Genome position (GRCh38, 1-based): chr12:57,751,719, C>T on the plus strand (G>A on the coding strand, the complement: CDK4 is on the minus strand). VCF-style: chr12-57751719-C-T. GRCh37 (hg19) VCF-style: chr12-58145502-C-T.
Identifiers: ClinVar variation 231776 (VCV000231776.11), dbSNP rs771607042, ClinGen allele CA6657894.

ClinVar aggregate classification (germline): Uncertain significance. Review status: criteria provided, multiple submitters, no conflicts (2 of 4 stars). 5 submissions from 5 submitters: Uncertain significance (5). Last evaluated 2025-03-04.

Conditions:
Melanoma, cutaneous malignant, susceptibility to, 3. Also called: Cutaneous malignant melanoma 3. Identifiers: Orphanet 618, MedGen C1836892, MONDO:0012183, OMIM 609048.
Hereditary cancer-predisposing syndrome. Also called: Neoplastic Syndromes, Hereditary; Tumor predisposition; Hereditary Cancer Syndrome; Hereditary neoplastic syndrome. Identifiers: Orphanet 140162, MedGen C0027672, MeSH D009386, MONDO:0015356.

Allele frequency attached by ClinVar (database versions not stated): TOPMed below 0.00001; ExAC 0.00001; gnomAD exomes 0.00001.

Submissions (5):

Center for Genomic Medicine, Rigshospitalet, Copenhagen University Hospital
Classification: Uncertain significance. Last evaluated: 2025-03-04. Review status: criteria provided, single submitter. Criteria: ACMG Guidelines, 2015. Collection method: clinical testing. Allele origin: germline.

Fulgent Genetics
Classification: Uncertain significance for Melanoma, cutaneous malignant, susceptibility to, 3. Last evaluated: 2024-04-04. Review status: criteria provided, single submitter. Criteria: ACMG Guidelines, 2015. Collection method: clinical testing. Allele origin: germline.

Ambry Genetics
Classification: Uncertain significance for Hereditary cancer-predisposing syndrome. Last evaluated: 2024-01-02. Review status: criteria provided, single submitter. Criteria: Ambry Variant Classification Scheme 2023. Collection method: clinical testing. Allele origin: germline.
Comment: The c.-2G>A variant located in the 5' untranslated region (5&rsquo; UTR) of the CDK4 gene. This variant results from a G to A substitution 2 bases upstream from the first translated codon. This nucleotide position is well conserved in available vertebrate species. Since supporting evidence is limited at this time, the clinical significance of this alteration remains unclear.

GeneDx
Classification: Uncertain significance. Last evaluated: 2020-08-10. Review status: criteria provided, single submitter. Criteria: GeneDx Variant Classification Process June 2021. Collection method: clinical testing. Allele origin: germline. Affected: yes.
Comment: Describes a nucleotide substitution 2 base pairs upstream of the ATG translational start site of the CDK4 gene, occurring in the Kozak sequence, the conserved nucleotides just upstream of the ATG start codon, which play a major role in the initiation of translation; Not observed at a significant frequency in large population cohorts (Lek et al., 2016); Has not been previously published as pathogenic or benign to our knowledge; In silico analysis, which includes splice predictors and evolutionary conservation, is inconclusive as to whether the variant alters gene splicing. In the absence of RNA/functional studies, the actual effect of this sequence change is unknown.

PreventionGenetics, part of Exact Sciences
Classification: Uncertain significance. Last evaluated: 2018-01-04. Review status: criteria provided, single submitter. Criteria: ACMG Guidelines, 2015. Collection method: clinical testing. Allele origin: germline.